The following is an entry in ClinVar:

NM_000051.4(ATM):c.2294A>G (p.Asn765Ser)

Gene: ATM (ATM serine/threonine kinase; plus strand). Cytogenetic location: 11q22.3.
Variant type: single nucleotide variant.
Coding change: c.2294A>G on transcript NM_000051.4 (MANE Select); coding-DNA position 2294, A replaced by G.
Protein change: p.Asn765Ser; replaces asparagine 765 with serine.
Molecular consequence: missense variant.
Genome position (GRCh38, 1-based): chr11:108,257,524, A>G. VCF-style: chr11-108257524-A-G. GRCh37 (hg19) VCF-style: chr11-108128251-A-G.
Other names: c.2294A>G, p.Asn765Ser (NM_001351834.2); short protein forms N765S.
Identifiers: ClinVar variation 2759904 (VCV002759904.3), dbSNP rs2497385254, ClinGen allele CA382539746.

ClinVar aggregate classification (germline): Uncertain significance (1 of 4 stars; one submission).

Conditions:
Ataxia-telangiectasia syndrome (AT). Also called: LOUIS-BAR SYNDROME; AT, COMPLEMENTATION GROUP C; ATAXIA-TELANGIECTASIA, COMPLEMENTATION GROUP A; ATAXIA-TELANGIECTASIA, FRESNO VARIANT; Ataxia-telangiectasia; Cerebello-oculocutaneous telangiectasia. Identifiers: Orphanet 100, MedGen C0004135, MONDO:0008840, OMIM 208900.

Submission:

Labcorp Genetics (formerly Invitae), Labcorp
Classification: Uncertain significance for Ataxia-telangiectasia syndrome. Last evaluated: 2024-09-16. Review status: criteria provided, single submitter. Criteria: Invitae Variant Classification Sherloc (09022015). Collection method: clinical testing. Allele origin: germline.
Comment: This sequence change replaces asparagine, which is neutral and polar, with serine, which is neutral and polar, at codon 765 of the ATM protein (p.Asn765Ser). This variant is not present in population databases (gnomAD no frequency). This variant has not been reported in the literature in individuals affected with ATM-related conditions. An algorithm developed to predict the effect of missense changes on protein structure and function outputs the following: PolyPhen-2: "Benign". The serine amino acid residue is found in multiple mammalian species, which suggests that this missense change does not adversely affect protein function. In summary, the available evidence is currently insufficient to determine the role of this variant in disease. Therefore, it has been classified as a Variant of Uncertain Significance.